The following is an entry in ClinVar:

NM_000018.4(ACADVL):c.764T>C (p.Leu255Pro)

Gene: ACADVL (acyl-CoA dehydrogenase very long chain; plus strand). Cytogenetic location: 17p13.1.
Variant type: single nucleotide variant.
Coding change: c.764T>C on transcript NM_000018.4 (MANE Select); coding-DNA position 764, T replaced by C.
Protein change: p.Leu255Pro; replaces leucine 255 with proline.
Molecular consequence: missense variant.
Genome position (GRCh38, 1-based): chr17:7,222,188, T>C. VCF-style: chr17-7222188-T-C. GRCh37 (hg19) VCF-style: chr17-7125507-T-C.
Other names: c.698T>C, p.Leu233Pro (NM_001033859.3); c.833T>C, p.Leu278Pro (NM_001270447.2); c.536T>C, p.Leu179Pro (NM_001270448.2); short protein forms L179P, L278P, L233P, L255P.
Identifiers: ClinVar variation 3670469 (VCV003670469.2).

ClinVar aggregate classification (germline): Likely pathogenic (1 of 4 stars; one submission).

Conditions:
Very long chain acyl-CoA dehydrogenase deficiency (ACADVLD). Also called: Very Long-Chain Acyl-Coenzyme A Dehydrogenase Deficiency; VLCAD Deficiency. Identifiers: Orphanet 26793, MedGen C3887523, MONDO:0008723, OMIM 201475.

Submission:

Labcorp Genetics (formerly Invitae), Labcorp
Classification: Likely pathogenic for Very long chain acyl-CoA dehydrogenase deficiency. Last evaluated: 2024-10-23. Review status: criteria provided, single submitter. Criteria: Invitae Variant Classification Sherloc (09022015). Collection method: clinical testing. Allele origin: germline.
Comment: This sequence change replaces leucine, which is neutral and non-polar, with proline, which is neutral and non-polar, at codon 255 of the ACADVL protein (p.Leu255Pro). This variant is not present in population databases (gnomAD no frequency). This missense change has been observed in individual(s) with very long chain acyl-CoA dehydrogenase (VLCAD) deficiency (internal data). In at least one individual the data is consistent with being in trans (on the opposite chromosome) from a pathogenic variant. Invitae Evidence Modeling of protein sequence and biophysical properties (such as structural, functional, and spatial information, amino acid conservation, physicochemical variation, residue mobility, and thermodynamic stability) indicates that this missense variant is expected to disrupt ACADVL protein function with a positive predictive value of 80%. In summary, the currently available evidence indicates that the variant is pathogenic, but additional data are needed to prove that conclusively. Therefore, this variant has been classified as Likely Pathogenic.